The following is an entry in ClinVar:

NM_000400.4(ERCC2):c.1315G>T (p.Asp439Tyr)

Gene: ERCC2 (ERCC excision repair 2, TFIIH core complex helicase subunit; minus strand). Cytogenetic location: 19q13.32.
Variant type: single nucleotide variant.
Coding change: c.1315G>T on transcript NM_000400.4 (MANE Select); coding-DNA position 1315, G replaced by T.
Protein change: p.Asp439Tyr; replaces aspartic acid 439 with tyrosine.
Molecular consequence: missense variant.
Genome position (GRCh38, 1-based): chr19:45,357,536, C>A on the plus strand (G>T on the coding strand, the complement: ERCC2 is on the minus strand). VCF-style: chr19-45357536-C-A. GRCh37 (hg19) VCF-style: chr19-45860794-C-A.
Other names: short protein forms D439Y.
Identifiers: ClinVar variation 3276232 (VCV003276232.1).

ClinVar aggregate classification (germline): Uncertain significance (1 of 4 stars; one submission).

Conditions:
Inborn genetic diseases. Identifiers: MedGen C0950123, MeSH D030342.

Submission:

Ambry Genetics
Classification: Uncertain significance for Inborn genetic diseases. Last evaluated: 2024-04-10. Review status: criteria provided, single submitter. Criteria: Ambry Variant Classification Scheme 2023. Collection method: clinical testing. Allele origin: germline.
Comment: The p.D439Y variant (also known as c.1315G>T), located in coding exon 14 of the ERCC2 gene, results from a G to T substitution at nucleotide position 1315. The aspartic acid at codon 439 is replaced by tyrosine, an amino acid with highly dissimilar properties. This amino acid position is conserved. In addition, this alteration is predicted to be deleterious by in silico analysis. Based on the available evidence, the clinical significance of this variant remains unclear.